The following is an entry in ClinVar:

ClinVar aggregate classification (germline): Uncertain significance (1 of 4 stars; one submission).

Allele frequency attached by ClinVar (database versions not stated): gnomAD exomes 0.00005.
gnomAD v4.1: 67 of 1,598,536 alleles (0.0042%); highest among the groups gnomAD compares: Non-Finnish European, 0.0056%; no homozygotes.

Submission:

Labcorp Genetics (formerly Invitae), Labcorp
Classification: Uncertain significance. Last evaluated: 2022-02-02. Review status: criteria provided, single submitter. Criteria: Invitae Variant Classification Sherloc (09022015). Collection method: clinical testing. Allele origin: germline.
Comment: This variant has not been reported in the literature in individuals affected with MPDZ-related conditions. In summary, the available evidence is currently insufficient to determine the role of this variant in disease. Therefore, it has been classified as a Variant of Uncertain Significance. Algorithms developed to predict the effect of sequence changes on RNA splicing suggest that this variant may create or strengthen a splice site. Algorithms developed to predict the effect of missense changes on protein structure and function are either unavailable or do not agree on the potential impact of this missense change (SIFT: "Deleterious"; PolyPhen-2: "Benign"; Align-GVGD: "Class C0"). ClinVar contains an entry for this variant (Variation ID: 1059067). This variant is not present in population databases (gnomAD no frequency). This sequence change replaces leucine, which is neutral and non-polar, with valine, which is neutral and non-polar, at codon 1806 of the MPDZ protein (p.Leu1806Val).

NM_001378778.1(MPDZ):c.5503C>G (p.Leu1835Val)

Gene: MPDZ (multiple PDZ domain crumbs cell polarity complex component; minus strand). Cytogenetic location: 9p23.
Variant type: single nucleotide variant.
Coding change: c.5503C>G on transcript NM_001378778.1 (MANE Select); coding-DNA position 5503, C replaced by G.
Protein change: p.Leu1835Val; replaces leucine 1835 with valine.
Molecular consequence: missense variant.
Genome position (GRCh38, 1-based): chr9:13,113,985, G>C on the plus strand (C>G on the coding strand, the complement: MPDZ is on the minus strand). VCF-style: chr9-13113985-G-C. GRCh37 (hg19) VCF-style: chr9-13113984-G-C.
Other names: c.5404C>G, p.Leu1802Val (NM_001261406.2, NM_001375416.1, NM_001375417.1 and 1 more transcripts); c.5317C>G, p.Leu1773Val (NM_001261407.2, NM_001375419.1); c.5503C>G, p.Leu1835Val (NM_001330637.2); c.5602C>G, p.Leu1868Val (NM_001375413.1); c.5293C>G, p.Leu1765Val (NM_001375420.1, NM_001375421.1, NM_001375422.1 and 2 more transcripts); c.5206C>G, p.Leu1736Val (NM_001375425.1, NM_001375426.1); c.5095C>G, p.Leu1699Val (NM_001375427.1); c.5416C>G, p.Leu1806Val (NM_003829.5); short protein forms L1699V, L1736V, L1765V, L1773V, L1802V, L1806V, L1835V, L1868V.
Identifiers: ClinVar variation 1059067 (VCV001059067.9), dbSNP rs750913399, ClinGen allele CA189270313.